The following is an entry in ClinVar:

NM_182961.4(SYNE1):c.4822G>A (p.Ala1608Thr)

Gene: SYNE1 (spectrin repeat containing nuclear envelope protein 1; minus strand). Cytogenetic location: 6q25.2.
Variant type: single nucleotide variant.
Coding change: c.4822G>A on transcript NM_182961.4 (MANE Select); coding-DNA position 4822, G replaced by A.
Protein change: p.Ala1608Thr; replaces alanine 1608 with threonine.
Molecular consequence: missense variant.
Genome position (GRCh38, 1-based): chr6:152,428,359, C>T on the plus strand (G>A on the coding strand, the complement: SYNE1 is on the minus strand). VCF-style: chr6-152428359-C-T. GRCh37 (hg19) VCF-style: chr6-152749494-C-T.
Other names: p.Ala1615Thr; c.4843G>A, p.Ala1615Thr (NM_033071.5); short protein forms A1608T, A1615T.
Identifiers: ClinVar variation 197018 (VCV000197018.55), dbSNP rs138617999, ClinGen allele CA244907.

ClinVar aggregate classification (germline): Conflicting classifications of pathogenicity. Review status: criteria provided, conflicting classifications (1 of 4 stars). 17 submissions from 16 submitters: Uncertain significance (6); Benign (2); Likely benign (5). 4 of the submissions do not count toward it. Last evaluated 2026-06-01.

Conditions:
SYNE1-related disorder. Also called: SYNE1-related disorders; SYNE1-related disease; SYNE1-related condition.
Autosomal recessive ataxia, Beauce type. Also called: SYNE1-Related Autosomal Recessive Cerebellar Ataxia; ATAXIA, RECESSIVE, OF BEAUCE; SYNE1 Deficiency; Spinocerebellar ataxia, autosomal recessive 8. Identifiers: Orphanet 88644, MedGen C1853116, MONDO:0012549, OMIM 610743.
Emery-Dreifuss muscular dystrophy 4, autosomal dominant (EDMD4). Also called: EMERY-DREIFUSS MUSCULAR DYSTROPHY 4 WITH VARIABLE FEATURES. Identifiers: Orphanet 261, MedGen C2751807, MONDO:0013071, OMIM 612998.
Limb-girdle muscular dystrophy (LGMD). Also called: Muscular Dystrophies, Limb-Girdle. Identifiers: Orphanet 263, MedGen C0686353, MeSH D049288, MONDO:0016971, HP:0006785.
Intellectual disability. Also called: Intellectual developmental disorder; Intellectual functioning disability; intellectual disabilities. Identifiers: MedGen C3714756, MeSH D008607, MONDO:0001071, HP:0001249.

Allele frequency attached by ClinVar (database versions not stated): 1000 Genomes Project 30x 0.00047; 1000 Genomes Project 0.00060; gnomAD exomes 0.00079 and 0.00150; ExAC 0.00080; TOPMed 0.00101; gnomAD 0.00104 and 0.00106; ESP Exome Variant Server 0.00123.
gnomAD v4.1: 2,380 of 1,613,960 alleles (0.15%); highest among the groups gnomAD compares: Non-Finnish European, 0.19%; 2 homozygotes.

Submissions (17):

CeGaT Center for Human Genetics Tuebingen
Classification: Likely benign. Last evaluated: 2026-06-01. Review status: criteria provided, single submitter. Criteria: CeGaT Center For Human Genetics Tuebingen Variant Classification Criteria Version 2. Collection method: clinical testing. Allele origin: germline. Affected: yes. Observed: 12 variant alleles.
Comment: SYNE1: BP4

Athena Diagnostics
Classification: Likely benign. Last evaluated: 2025-06-12. Review status: criteria provided, single submitter. Criteria: Athena Diagnostics Criteria. Collection method: clinical testing. Allele origin: unknown.
Comment: The frequency of this variant in the general population is higher than would generally be expected for pathogenic variants in this gene. Computational tools predict this amino acid change may be benign.

Labcorp Genetics (formerly Invitae), Labcorp
Classification: Uncertain significance for Emery-Dreifuss muscular dystrophy 4, autosomal dominant; Autosomal recessive ataxia, Beauce type. Last evaluated: 2025-01-20. Review status: criteria provided, single submitter. Criteria: Invitae Variant Classification Sherloc (09022015). Collection method: clinical testing. Allele origin: germline.
Comment: This sequence change replaces alanine, which is neutral and non-polar, with threonine, which is neutral and polar, at codon 1615 of the SYNE1 protein (p.Ala1615Thr). This variant is present in population databases (rs138617999, gnomAD 0.2%), and has an allele count higher than expected for a pathogenic variant. This missense change has been observed in individual(s) with clinical features of spinocerebellar ataxia (PMID: 31692161). ClinVar contains an entry for this variant (Variation ID: 197018). An algorithm developed to predict the effect of missense changes on protein structure and function outputs the following: PolyPhen-2: "Benign". The threonine amino acid residue is found in multiple mammalian species, which suggests that this missense change does not adversely affect protein function. In summary, the available evidence is currently insufficient to determine the role of this variant in disease. Therefore, it has been classified as a Variant of Uncertain Significance.

Blueprint Genetics
Classification: Likely benign. Last evaluated: 2024-10-28. Review status: criteria provided, single submitter. Criteria: ACMG Guidelines, 2015. Collection method: clinical testing. Allele origin: germline.

Women's Health and Genetics/Laboratory Corporation of America, LabCorp
Classification: Uncertain significance. Last evaluated: 2023-06-05. Review status: criteria provided, single submitter. Criteria: LabCorp Variant Classification Summary - May 2015. Collection method: clinical testing. Allele origin: germline.
Comment: Variant summary: SYNE1 c.4843G>A (p.Ala1615Thr) results in a non-conservative amino acid change in the encoded protein sequence. Four of five in-silico tools predict a benign effect of the variant on protein function. The variant allele was found at a frequency of 0.00079 in 251218 control chromosomes in the gnomAD database, including 1 homozygote. c.4843G>A has been reported in the literature in at least one individual affected with ataxia without strong evidence for causality (e.g., Ngo_2016). To our knowledge, no experimental evidence demonstrating an impact on protein function has been reported. The following publication has been ascertained in the context of this evaluation (PMID: 31692161). Nine clinical diagnostic laboratories have submitted clinical-significance assessments for this variant to ClinVar after 2014. Four laboratories classified the variant as a variant of uncertain significance, three laboratories classified it as likely benign, one laboratory classified it as benign, and one laboratory classified it with conflicting interpretations (VUS/B). Based on the evidence outlined above, the variant was classified as uncertain significance.

Mayo Clinic Laboratories, Mayo Clinic
Classification: Uncertain significance. Last evaluated: 2021-04-13. Review status: criteria provided, single submitter. Criteria: ACMG Guidelines, 2015. Collection method: clinical testing. Allele origin: germline.

GeneDx
Classification: Likely benign. Last evaluated: 2020-04-17. Review status: criteria provided, single submitter. Criteria: GeneDx Variant Classification Process June 2021. Collection method: clinical testing. Allele origin: germline. Affected: yes.
Comment: This variant is associated with the following publications: (PMID: 31692161)

ARUP Laboratories, Molecular Genetics and Genomics, ARUP Laboratories
Classification: Uncertain significance. Last evaluated: 2019-08-13. Review status: criteria provided, single submitter. Criteria: ARUP Molecular Germline Variant Investigation Process. Collection method: clinical testing. Allele origin: germline.
Comment: The SYNE1 c.4843G>A; p.Ala1615Thr variant (rs138617999), to our knowledge, is not reported in the medical literature but is reported in ClinVar (Variation ID: 197018). This variant is found in the non-Finnish European population with an overall allele frequency of 0.15% (195/126496 alleles) in the Genome Aggregation Database. The alanine at codon 1615 is weakly conserved and is found as a threonine in multiple mammalian species, and computational analyses (SIFT: tolerated, PolyPhen-2: benign) predict that this variant is tolerated. However, due to limited information, the clinical significance of the p.Ala1615Thr variant is uncertain at this time.

Cambridge Genomics Laboratory, East Genomic Laboratory Hub, NHS Genomic Medicine Service
Classification: Likely benign for Limb-girdle muscular dystrophy. Last evaluated: 2019-04-17. Review status: criteria provided, single submitter. Criteria: ACGS Best Practice Guidelines for Variant Classification in Rare Disease 2020. Collection method: clinical testing. Allele origin: germline. Affected: yes. Observed: 1 variant allele.

Institute of Human Genetics, University of Leipzig Medical Center
Classification: Benign for Autosomal recessive ataxia, Beauce type. Last evaluated: 2019-01-01. Review status: criteria provided, single submitter. Criteria: ACMG Guidelines, 2015. Collection method: clinical testing. Allele origin: unknown. Affected: no.

Illumina Laboratory Services, Illumina
Classification: Benign for Emery-Dreifuss muscular dystrophy 4, autosomal dominant. Last evaluated: 2018-01-13. Review status: criteria provided, single submitter. Criteria: ICSL Variant Classification Criteria 13 December 2019. Collection method: clinical testing. Allele origin: germline.
Comment: This variant was observed in the ICSL laboratory as part of a predisposition screen in an ostensibly healthy population. It had not been previously curated by ICSL or reported in the Human Gene Mutation Database (HGMD: prior to June 1st, 2018), and was therefore a candidate for classification through an automated scoring system. Utilizing variant allele frequency, disease prevalence and penetrance estimates, and inheritance mode, an automated score was calculated to assess if this variant is too frequent to cause the disease. Based on the score and internal cut-off values, a variant classified as benign is not then subjected to further curation. The score for this variant resulted in a classification of benign for this disease.

Illumina Laboratory Services, Illumina
Classification: Uncertain significance for Autosomal recessive ataxia, Beauce type. Last evaluated: 2018-01-13. Review status: criteria provided, single submitter. Criteria: ICSL Variant Classification Criteria 13 December 2019. Collection method: clinical testing. Allele origin: germline.

Eurofins Ntd Llc (ga)
Classification: Uncertain significance. Last evaluated: 2018-01-11. Review status: criteria provided, single submitter. Criteria: EGL Classification Definitions 2015. Collection method: clinical testing. Allele origin: germline. Observed: 16 variant alleles, 16 heterozygotes.

PreventionGenetics, part of Exact Sciences
Classification: Likely benign for SYNE1-related condition. Last evaluated: 2022-02-17. Review status: no assertion criteria provided. Collection method: clinical testing. Allele origin: germline. Not counted in ClinVar's aggregate classification.
Comment: This variant is classified as likely benign based on ACMG/AMP sequence variant interpretation guidelines (Richards et al. 2015 PMID: 25741868, with internal and published modifications).

Centre de Biologie Pathologie Génétique, Centre Hospitalier Universitaire de Lille
Classification: Likely benign for Intellectual disability. Last evaluated: 2019-01-01. Review status: no assertion criteria provided. Collection method: clinical testing. Allele origin: inherited. Affected: yes. Not counted in ClinVar's aggregate classification.

Clinical Genetics DNA and cytogenetics Diagnostics Lab, Erasmus MC, Erasmus Medical Center
Classification: Likely benign. Review status: no assertion criteria provided. Collection method: clinical testing. Allele origin: germline. Affected: yes. Study: VKGL Data-share Consensus. Not counted in ClinVar's aggregate classification.

Diagnostic Laboratory, Department of Genetics, University Medical Center Groningen
Classification: Likely benign. Review status: no assertion criteria provided. Collection method: clinical testing. Allele origin: germline. Affected: yes. Study: VKGL Data-share Consensus. Not counted in ClinVar's aggregate classification.

Literature cited by the submitters: PubMed 30564623 (cited by Athena Diagnostics); PubMed 31692161 (cited by 3 submitters).